The following is an entry in ClinVar:

ClinVar aggregate classification (germline): Uncertain significance (1 of 4 stars; one submission).

Conditions:
Neurodevelopmental disorder with speech delay and variable ocular anomalies (NEDSOA). Identifiers: MedGen C5774194, MONDO:0859272, OMIM 619989.

Submission:

Neuberg Centre For Genomic Medicine, NCGM
Classification: Uncertain significance for Neurodevelopmental disorder with speech delay and variable ocular anomalies. Review status: criteria provided, single submitter. Criteria: ACMG Guidelines, 2015. Collection method: clinical testing. Allele origin: germline. Inheritance: Autosomal recessive inheritance. Affected: yes.
Comment: As this variant is in last exon. This variant is classified as variant of unceratined significance

NM_017736.5(THUMPD1):c.741_744del (p.Cys248fs)

Genes: ACSM3 (acyl-CoA synthetase medium chain family member 3; plus strand), THUMPD1 (THUMP domain 1 NAT10 acetyltransferase adaptor; minus strand). Cytogenetic location: 16p12.3.
Variant type: Microsatellite.
Coding change: c.741_744del on transcript NM_017736.5 (MANE Select); coding-DNA positions 741 to 744, 4 bases deleted (CTGT; older notation c.741_744delCTGT).
Protein change: p.Cys248fs; shifts the reading frame from cysteine 248.
Molecular consequence: frameshift variant.
Genome position (GRCh38, 1-based): chr16:20,737,198-20,737,201, ACAG deleted on the plus strand (CTGT on the coding strand, the reverse complement: THUMPD1 is on the minus strand); deleting any 4 consecutive bases within chr16:20,737,198-20,737,205 gives the same sequence; the c. name uses the placement nearest the transcript's 3' end. VCF-style (leftmost placement, unchanged base first): chr16-20737197-AACAG-A. GRCh37 (hg19) VCF-style: chr16-20748519-AACAG-A.
Other names: c.741_744del, p.Cys248fs (NM_001304550.2); short protein forms C248fs.
Identifiers: ClinVar variation 4086178 (VCV004086178.1).